The following is an entry in ClinVar:

NM_000465.4(BARD1):c.443G>A (p.Ser148Asn)

Gene: BARD1 (BRCA1 associated RING domain 1; minus strand). Cytogenetic location: 2q35.
Variant type: single nucleotide variant.
Coding change: c.443G>A on transcript NM_000465.4 (MANE Select); coding-DNA position 443, G replaced by A.
Protein change: p.Ser148Asn; replaces serine 148 with asparagine.
Molecular consequence: missense variant. On other transcripts: non-coding transcript variant (2), intron variant (3).
Genome position (GRCh38, 1-based): chr2:214,781,431, C>T on the plus strand (G>A on the coding strand, the complement: BARD1 is on the minus strand). VCF-style: chr2-214781431-C-T. GRCh37 (hg19) VCF-style: chr2-215646155-C-T.
Other names: c.386G>A, p.Ser129Asn (NM_001282543.2); c.158+27981G>A (NM_001282548.2); c.215+15630G>A (NM_001282545.2); c.364+10866G>A (NM_001282549.2); short protein forms S148N, S129N.
Identifiers: ClinVar variation 489672 (VCV000489672.25), dbSNP rs1220764138, ClinGen allele CA350457734.

ClinVar aggregate classification (germline): Uncertain significance. Review status: criteria provided, multiple submitters, no conflicts (2 of 4 stars). 7 submissions from 7 submitters: Uncertain significance (7). Last evaluated 2025-11-23.

Conditions:
Hereditary cancer-predisposing syndrome. Also called: Tumor predisposition; Hereditary neoplastic syndrome; Neoplastic Syndromes, Hereditary; Hereditary Cancer Syndrome. Identifiers: Orphanet 140162, MedGen C0027672, MeSH D009386, MONDO:0015356.
Familial cancer of breast. Also called: BREAST CANCER, FAMILIAL; hereditary breast carcinoma; Hereditary breast cancer. Identifiers: Orphanet 227535, MedGen C0346153, MONDO:0016419, OMIM 114480. Disease mechanism: loss of function.

Allele frequency attached by ClinVar (database versions not stated): gnomAD exomes 0.00001 and 0.00002; TOPMed below 0.00001.
gnomAD v4.1: 7 of 1,613,442 alleles (0.00043%); highest among the groups gnomAD compares: Admixed American, 0.0083%; no homozygotes.

Submissions (7):

Labcorp Genetics (formerly Invitae), Labcorp
Classification: Uncertain significance for Familial cancer of breast. Last evaluated: 2025-11-23. Review status: criteria provided, single submitter. Criteria: Invitae Variant Classification Sherloc (09022015). Collection method: clinical testing. Allele origin: germline.
Comment: This sequence change replaces serine, which is neutral and polar, with asparagine, which is neutral and polar, at codon 148 of the BARD1 protein (p.Ser148Asn). This variant is present in population databases (no rsID available, gnomAD 0.01%). This missense change has been observed in individual(s) with breast cancer (PMID: 35534704). ClinVar contains an entry for this variant (Variation ID: 489672). An algorithm developed to predict the effect of missense changes on protein structure and function (PolyPhen-2) suggests that this variant is likely to be disruptive. In summary, the available evidence is currently insufficient to determine the role of this variant in disease. Therefore, it has been classified as a Variant of Uncertain Significance.

Quest Diagnostics Nichols Institute San Juan Capistrano
Classification: Uncertain significance. Last evaluated: 2024-12-10. Review status: criteria provided, single submitter. Criteria: Quest Diagnostics criteria. Collection method: clinical testing. Allele origin: unknown.
Comment: The BARD1 c.443G>A (p.Ser148Asn) variant has been reported in the published literature as a somatic variant in a lung cancer patient (PMID: 33692861 (2021)), while in a large-scale breast cancer association study, this variant was observed in a reportedly healthy individual and not in any breast cancer cases (see LOVD and PMID: 33471991 (2021)). The frequency of this variant in the general population (Genome Aggregation Database) is uninformative in the assessment of its pathogenicity. Analysis of this variant using bioinformatics tools for the prediction of the effect of amino acid changes on protein structure and function yielded conflicting predictions that this variant is benign or damaging. Based on the available information, we are unable to determine the clinical significance of this variant.

Ambry Genetics
Classification: Uncertain significance for Hereditary cancer-predisposing syndrome. Last evaluated: 2024-09-03. Review status: criteria provided, single submitter. Criteria: Ambry Variant Classification Scheme 2023. Collection method: clinical testing. Allele origin: germline.

GeneDx
Classification: Uncertain significance. Last evaluated: 2024-01-31. Review status: criteria provided, single submitter. Criteria: GeneDx Variant Classification Process June 2021. Collection method: clinical testing. Allele origin: germline.
Comment: Not observed at significant frequency in large population cohorts (gnomAD); In silico analysis supports that this missense variant does not alter protein structure/function; Observed in individual(s) with breast cancer (PMID: 35534704); This variant is associated with the following publications: (PMID: 33692861, Wang2022[abstract], 35534704)

Women's Health and Genetics/Laboratory Corporation of America, LabCorp
Classification: Uncertain significance. Last evaluated: 2023-09-09. Review status: criteria provided, single submitter. Criteria: LabCorp Variant Classification Summary - May 2015. Collection method: clinical testing. Allele origin: germline.

Baylor Genetics
Classification: Uncertain significance for Familial cancer of breast. Last evaluated: 2023-06-25. Review status: criteria provided, single submitter. Criteria: ACMG Guidelines, 2015. Collection method: clinical testing. Allele origin: unknown.

Color Diagnostics, LLC DBA Color Health
Classification: Uncertain significance for Hereditary cancer-predisposing syndrome. Last evaluated: 2019-02-23. Review status: criteria provided, single submitter. Criteria: ACMG Guidelines, 2015. Collection method: clinical testing. Allele origin: germline.

Literature cited by the submitters: PubMed 35534704 (cited by Labcorp Genetics (formerly Invitae), Labcorp); PubMed 33692861 (cited by Quest Diagnostics Nichols Institute San Juan Capistrano); PubMed 36922933 (cited by Quest Diagnostics Nichols Institute San Juan Capistrano).